The following is an entry in ClinVar:

ClinVar aggregate classification (germline): Uncertain significance. Review status: criteria provided, multiple submitters, no conflicts (2 of 4 stars). 3 submissions from 3 submitters: Uncertain significance (3). Last evaluated 2026-05-20.

Conditions:
Inborn genetic diseases. Identifiers: MedGen C0950123, MeSH D030342.
Chédiak-Higashi syndrome (CHS). Also called: Chediak-Higashi Syndrome. Identifiers: Orphanet 167, MedGen C0007965, MONDO:0008963, OMIM 214500.

Allele frequency attached by ClinVar (database versions not stated): TOPMed 0.00003; gnomAD exomes below 0.00001; gnomAD 0.00001; ESP Exome Variant Server 0.00008.
gnomAD v4.1: 7 of 1,613,934 alleles (0.00043%); highest among the groups gnomAD compares: South Asian, 0.0022%; no homozygotes.

Submissions (3):

Ambry Genetics
Classification: Uncertain significance for Inborn genetic diseases. Last evaluated: 2026-05-20. Review status: criteria provided, single submitter. Criteria: Ambry Variant Classification Scheme 2023. Collection method: clinical testing. Allele origin: germline.
Comment: The c.9974A>G (p.N3325S) alteration is located in exon 44 (coding exon 42) of the LYST gene. This alteration results from a A to G substitution at nucleotide position 9974, causing the asparagine (N) at amino acid position 3325 to be replaced by a serine (S). Based on data from gnomAD, the G allele has an overall frequency of 0.001% (2/251054) total alleles studied. The highest observed frequency was 0.016% (1/6124) of Other alleles. Based on insufficient or conflicting evidence, the clinical significance of this alteration remains unclear.

Labcorp Genetics (formerly Invitae), Labcorp
Classification: Uncertain significance for Chédiak-Higashi syndrome. Last evaluated: 2024-11-11. Review status: criteria provided, single submitter. Criteria: Invitae Variant Classification Sherloc (09022015). Collection method: clinical testing. Allele origin: germline.
Comment: This sequence change replaces asparagine, which is neutral and polar, with serine, which is neutral and polar, at codon 3325 of the LYST protein (p.Asn3325Ser). This variant is present in population databases (rs376300162, gnomAD no frequency). This variant has not been reported in the literature in individuals affected with LYST-related conditions. ClinVar contains an entry for this variant (Variation ID: 1475634). Invitae Evidence Modeling of protein sequence and biophysical properties (such as structural, functional, and spatial information, amino acid conservation, physicochemical variation, residue mobility, and thermodynamic stability) indicates that this missense variant is not expected to disrupt LYST protein function with a negative predictive value of 80%. In summary, the available evidence is currently insufficient to determine the role of this variant in disease. Therefore, it has been classified as a Variant of Uncertain Significance.

Revvity Omics, Revvity
Classification: Uncertain significance for Chédiak-Higashi syndrome. Last evaluated: 2019-12-26. Review status: criteria provided, single submitter. Criteria: ACMG Guidelines, 2015. Collection method: clinical testing. Allele origin: germline.

NM_000081.4(LYST):c.9974A>G (p.Asn3325Ser)

Genes: LYST (lysosomal trafficking regulator; minus strand), LOC126806063 (MED14-independent group 3 enhancer GRCh37_chr1:235871544-235872743; plus strand). Cytogenetic location: 1q42.3.
Variant type: single nucleotide variant.
Coding change: c.9974A>G on transcript NM_000081.4 (MANE Select); coding-DNA position 9974, A replaced by G.
Protein change: p.Asn3325Ser; replaces asparagine 3325 with serine.
Molecular consequence: missense variant.
Genome position (GRCh38, 1-based): chr1:235,709,260, T>C on the plus strand (A>G on the coding strand, the complement: LYST is on the minus strand). VCF-style: chr1-235709260-T-C. GRCh37 (hg19) VCF-style: chr1-235872560-T-C.
Other names: c.9974A>G (NM_000081.3, NM_000081.2); c.9974A>G, p.Asn3325Ser (NM_001301365.1); short protein forms N3325S.
Identifiers: ClinVar variation 1475634 (VCV001475634.10), dbSNP rs376300162, ClinGen allele CA39595181.
Genomic context (GRCh38, chr1:235,709,260, plus strand): 5'-AGAGCCTGCCGATGGATGAGGATAAAAAGACGAGGATCATTACGCGCCCAAGGGGGAAGG[T>C]TGACGTGATTAACCCGTTCACCATTCTGACGCACACCAAAATCAAAACCTAAAAGAGAAG-3'
Protein context (NP_000072.2, residues 3315-3335): RQNGERVNHV[Asn3325Ser]LPPWARNDPR